The following is an entry in ClinVar:

ClinVar aggregate classification (germline): Uncertain significance (1 of 4 stars; one submission).

Conditions:
Thyroid dyshormonogenesis 6 (TDH6). Also called: THYROID HORMONOGENESIS, GENETIC DEFECT IN, 6; HYPOTHYROIDISM, CONGENITAL, DUE TO DYSHORMONOGENESIS, 6; Genetic transient congenital hypothyroidism. Identifiers: Orphanet 226316, Orphanet 95716, MedGen C1846632, MONDO:0011792, OMIM 607200.

gnomAD v4.1: 1 of 1,612,854 alleles (0.000062%); highest among the groups gnomAD compares: Non-Finnish European, 0.000085%; no homozygotes.

Submission:

OLLIN Analises Genomicas, OLLIN
Classification: Uncertain significance for Thyroid dyshormonogenesis 6. Last evaluated: 2026-08-06. Review status: criteria provided, single submitter. Criteria: ACMG Guidelines 2015 PMID 25741868. Collection method: clinical testing. Allele origin: germline. Inheritance: Autosomal recessive inheritance.
Comment: This missense variant, located in exon 4 (of 34), has been observed in gnomAD with an allele frequency of 0.000062%, but has not been reported in ClinVar or identified in the literature. In silico analysis predicts that this variant has a deleterious effect. According to the currently available evidence, this variant has been classified as uncertain significance (PM2_P, PP3).

NM_001363711.2(DUOX2):c.254G>A (p.Ser85Asn)

Gene: DUOX2 (dual oxidase 2; minus strand). Cytogenetic location: 15q21.1.
Variant type: single nucleotide variant.
Coding change: c.254G>A on transcript NM_001363711.2 (MANE Select); coding-DNA position 254, G replaced by A.
Protein change: p.Ser85Asn; replaces serine 85 with asparagine.
Molecular consequence: missense variant.
Genome position (GRCh38, 1-based): chr15:45,112,625, C>T on the plus strand (G>A on the coding strand, the complement: DUOX2 is on the minus strand). VCF-style: chr15-45112625-C-T. GRCh37 (hg19) VCF-style: chr15-45404823-C-T.
Other names: c.254G>A, p.Ser85Asn (NM_014080.5); short protein forms S85N.
Identifiers: ClinVar variation 5002992 (VCV005002992.1).